The following is an entry in ClinVar:

NM_000807.4(GABRA2):c.1174A>G (p.Thr392Ala)

Gene: GABRA2 (gamma-aminobutyric acid type A receptor subunit alpha2; minus strand). Cytogenetic location: 4p12.
Variant type: single nucleotide variant.
Coding change: c.1174A>G on transcript NM_000807.4 (MANE Select); coding-DNA position 1174, A replaced by G.
Protein change: p.Thr392Ala; replaces threonine 392 with alanine.
Molecular consequence: missense variant.
Genome position (GRCh38, 1-based): chr4:46,250,490, T>C on the plus strand (A>G on the coding strand, the complement: GABRA2 is on the minus strand). VCF-style: chr4-46250490-T-C. GRCh37 (hg19) VCF-style: chr4-46252507-T-C.
Other names: c.1174A>G, p.Thr392Ala (NM_001114175.3, NM_001377146.1, NM_001377147.1 and 4 more transcripts); c.1189A>G, p.Thr397Ala (NM_001286827.3); c.1354A>G, p.Thr452Ala (NM_001330690.2, NM_001377144.1, NM_001377145.1); c.1009A>G, p.Thr337Ala (NM_001377152.1, NM_001377153.1, NM_001377154.1); c.1174A>G (NM_001114175.1); short protein forms T337A, T392A, T397A, T452A.
Identifiers: ClinVar variation 2432000 (VCV002432000.8), dbSNP rs1405947553, ClinGen allele CA356802492.

ClinVar aggregate classification (germline): Uncertain significance. Review status: criteria provided, multiple submitters, no conflicts (2 of 4 stars). 3 submissions from 3 submitters: Uncertain significance (3). Last evaluated 2025-04-16.

Conditions:
Inborn genetic diseases. Identifiers: MedGen C0950123, MeSH D030342.
Developmental and epileptic encephalopathy, 78. Also called: EPILEPTIC ENCEPHALOPATHY, EARLY INFANTILE, 78. Identifiers: MedGen C5231409, MONDO:0032812, OMIM 618557.

Allele frequency attached by ClinVar (database versions not stated): gnomAD exomes below 0.00001.
gnomAD v4.1: 6 of 1,612,020 alleles (0.00037%); highest among the groups gnomAD compares: Admixed American, 0.0033%; no homozygotes.

Submissions (3):

Labcorp Genetics (formerly Invitae), Labcorp
Classification: Uncertain significance. Last evaluated: 2025-04-16. Review status: criteria provided, single submitter. Criteria: Invitae Variant Classification Sherloc (09022015). Collection method: clinical testing. Allele origin: germline.
Comment: This sequence change replaces threonine, which is neutral and polar, with alanine, which is neutral and non-polar, at codon 452 of the GABRA2 protein (p.Thr452Ala). This variant is present in population databases (no rsID available, gnomAD 0.006%). This variant has not been reported in the literature in individuals affected with GABRA2-related conditions. ClinVar contains an entry for this variant (Variation ID: 2432000). An algorithm developed to predict the effect of missense changes on protein structure and function outputs the following: PolyPhen-2: "Not Available". The alanine amino acid residue is found in multiple mammalian species, which suggests that this missense change does not adversely affect protein function. In summary, the available evidence is currently insufficient to determine the role of this variant in disease. Therefore, it has been classified as a Variant of Uncertain Significance.

Revvity Omics, Revvity
Classification: Uncertain significance for Developmental and epileptic encephalopathy, 78. Last evaluated: 2023-02-01. Review status: criteria provided, single submitter. Criteria: ACMG Guidelines, 2015. Collection method: clinical testing. Allele origin: germline.

Ambry Genetics
Classification: Uncertain significance for Inborn genetic diseases. Last evaluated: 2023-01-06. Review status: criteria provided, single submitter. Criteria: Ambry Variant Classification Scheme 2023. Collection method: clinical testing. Allele origin: germline.